The following is an entry in ClinVar:

ClinVar aggregate classification (germline): Uncertain significance. Review status: criteria provided, multiple submitters, no conflicts (2 of 4 stars). 2 submissions from 2 submitters: Uncertain significance (2). Last evaluated 2026-01-08.

Allele frequency attached by ClinVar (database versions not stated): TOPMed below 0.00001; gnomAD 0.00001.
gnomAD v4.1: 30 of 1,613,870 alleles (0.0019%); highest among the groups gnomAD compares: Middle Eastern, 0.016%; 1 homozygote.

Submissions (2):

Labcorp Genetics (formerly Invitae), Labcorp
Classification: Uncertain significance. Last evaluated: 2026-01-08. Review status: criteria provided, single submitter. Criteria: Invitae Variant Classification Sherloc (09022015). Collection method: clinical testing. Allele origin: germline.
Comment: This sequence change replaces arginine, which is basic and polar, with tryptophan, which is neutral and slightly polar, at codon 341 of the TAOK2 protein (p.Arg341Trp). This variant is present in population databases (no rsID available, gnomAD 0.005%). This variant has not been reported in the literature in individuals affected with TAOK2-related conditions. ClinVar contains an entry for this variant (Variation ID: 2748260). An algorithm developed to predict the effect of missense changes on protein structure and function (PolyPhen-2) suggests that this variant is likely to be disruptive. In summary, the available evidence is currently insufficient to determine the role of this variant in disease. Therefore, it has been classified as a Variant of Uncertain Significance.

Ambry Genetics
Classification: Uncertain significance. Last evaluated: 2024-08-12. Review status: criteria provided, single submitter. Criteria: Ambry Variant Classification Scheme 2023. Collection method: clinical testing. Allele origin: germline.

NM_016151.4(TAOK2):c.1021C>T (p.Arg341Trp)

Gene: TAOK2 (TAO kinase 2; plus strand). Cytogenetic location: 16p11.2.
Variant type: single nucleotide variant.
Coding change: c.1021C>T on transcript NM_016151.4 (MANE Select); coding-DNA position 1021, C replaced by T.
Protein change: p.Arg341Trp; replaces arginine 341 with tryptophan.
Molecular consequence: missense variant.
Genome position (GRCh38, 1-based): chr16:29,983,093, C>T. VCF-style: chr16-29983093-C-T. GRCh37 (hg19) VCF-style: chr16-29994414-C-T.
Other names: c.1021C>T (NM_016151.2); c.1021C>T, p.Arg341Trp (NM_001252043.2, NM_004783.4); short protein forms R341W.
Identifiers: ClinVar variation 2748260 (VCV002748260.4), dbSNP rs892541929, ClinGen allele CA280394553.